The following is an entry in ClinVar:

ClinVar aggregate classification (germline): Uncertain significance (1 of 4 stars; one submission).

Conditions:
Autosomal dominant nonsyndromic hearing loss 20. Identifiers: Orphanet 90635, MedGen C1858172, MONDO:0011480, OMIM 604717.
Baraitser-winter syndrome 2. Identifiers: Orphanet 2995, MedGen C3281235, MONDO:0013812, OMIM 614583.

Submission:

Labcorp Genetics (formerly Invitae), Labcorp
Classification: Uncertain significance for Baraitser-winter syndrome 2; Autosomal dominant nonsyndromic hearing loss 20. Last evaluated: 2023-02-18. Review status: criteria provided, single submitter. Criteria: Invitae Variant Classification Sherloc (09022015). Collection method: clinical testing. Allele origin: germline.
Comment: In summary, the available evidence is currently insufficient to determine the role of this variant in disease. Therefore, it has been classified as a Variant of Uncertain Significance. Advanced modeling of protein sequence and biophysical properties (such as structural, functional, and spatial information, amino acid conservation, physicochemical variation, residue mobility, and thermodynamic stability) performed at Invitae indicates that this missense variant is not expected to disrupt ACTG1 protein function. This variant has not been reported in the literature in individuals affected with ACTG1-related conditions. This variant is not present in population databases (gnomAD no frequency). This sequence change replaces glycine, which is neutral and non-polar, with aspartic acid, which is acidic and polar, at codon 366 of the ACTG1 protein (p.Gly366Asp).

NM_001614.5(ACTG1):c.1097G>A (p.Gly366Asp)

Gene: ACTG1 (actin gamma 1; minus strand). Cytogenetic location: 17q25.3.
Variant type: single nucleotide variant.
Coding change: c.1097G>A on transcript NM_001614.5 (MANE Select); coding-DNA position 1097, G replaced by A.
Protein change: p.Gly366Asp; replaces glycine 366 with aspartic acid.
Molecular consequence: missense variant. On other transcripts: non-coding transcript variant (1).
Genome position (GRCh38, 1-based): chr17:81,510,721, C>T on the plus strand (G>A on the coding strand, the complement: ACTG1 is on the minus strand). VCF-style: chr17-81510721-C-T. GRCh37 (hg19) VCF-style: chr17-79477747-C-T.
Other names: c.1097G>A, p.Gly366Asp (NM_001199954.3); short protein forms G366D.
Identifiers: ClinVar variation 2944175 (VCV002944175.3), dbSNP rs2544386126, ClinGen allele CA401457337.